The following is an entry in ClinVar:

ClinVar aggregate classification (germline): Conflicting classifications of pathogenicity. Review status: criteria provided, conflicting classifications (1 of 4 stars). 4 submissions from 4 submitters: Uncertain significance (3); Likely benign (1). Last evaluated 2026-01-05.

Conditions:
Donnai-Barrow syndrome. Also called: DBS/FOAR SYNDROME; FACIOOCULOACOUSTICORENAL SYNDROME. Identifiers: Orphanet 2143, MedGen C1857277, MONDO:0009104, OMIM 222448.

Allele frequency attached by ClinVar (database versions not stated): gnomAD exomes 0.00002 and 0.00006; gnomAD 0.00003 and 0.00005; TOPMed 0.00006; ExAC 0.00007; ESP Exome Variant Server 0.00008; 1000 Genomes Project 30x 0.00031; 1000 Genomes Project 0.00040.
gnomAD v4.1: 41 of 1,614,076 alleles (0.0025%); highest among the groups gnomAD compares: Middle Eastern, 0.083%; no homozygotes.

Submissions (4):

Labcorp Genetics (formerly Invitae), Labcorp
Classification: Likely benign. Last evaluated: 2026-01-05. Review status: criteria provided, single submitter. Criteria: Invitae Variant Classification Sherloc (09022015). Collection method: clinical testing. Allele origin: germline.

GeneDx
Classification: Uncertain significance. Last evaluated: 2025-08-06. Review status: criteria provided, single submitter. Criteria: GeneDx Variant Classification Process June 2021. Collection method: clinical testing. Allele origin: germline. Affected: yes.
Comment: Reported with a second variant in LRP2 in a patient with heart defects, atypical facial features, intellectual disability, and duodenal stenosis in the published literature; however, this patient also carried a de novo variant in the MEIS2 gene which is likely contributing to the phenotype (PMID: 30291340); In silico analysis supports that this missense variant has a deleterious effect on protein structure/function; This variant is associated with the following publications: (PMID: 30291340)

Blueprint Genetics
Classification: Uncertain significance. Last evaluated: 2024-08-16. Review status: criteria provided, single submitter. Criteria: ACMG Guidelines, 2015. Collection method: clinical testing. Allele origin: germline.

Fulgent Genetics
Classification: Uncertain significance for Donnai-Barrow syndrome. Last evaluated: 2024-02-02. Review status: criteria provided, single submitter. Criteria: ACMG Guidelines, 2015. Collection method: clinical testing. Allele origin: germline.

NM_004525.3(LRP2):c.8624G>A (p.Arg2875His)

Gene: LRP2 (LDL receptor related protein 2; minus strand). Cytogenetic location: 2q31.1.
Variant type: single nucleotide variant.
Coding change: c.8624G>A on transcript NM_004525.3 (MANE Select); coding-DNA position 8624, G replaced by A.
Protein change: p.Arg2875His; replaces arginine 2875 with histidine.
Molecular consequence: missense variant.
Genome position (GRCh38, 1-based): chr2:169,196,985, C>T on the plus strand (G>A on the coding strand, the complement: LRP2 is on the minus strand). VCF-style: chr2-169196985-C-T. GRCh37 (hg19) VCF-style: chr2-170053495-C-T.
Other names: c.8624G>A (NM_004525.2); short protein forms R2875H.
Identifiers: ClinVar variation 1627395 (VCV001627395.10), dbSNP rs369195059, ClinGen allele CA1953797.